The following is an entry in ClinVar:

ClinVar aggregate classification (germline): Pathogenic (1 of 4 stars; one submission).

Conditions:
Spastic paraplegia. Identifiers: MedGen C0037772, HP:0001258.

Submission:

Labcorp Genetics (formerly Invitae), Labcorp
Classification: Pathogenic for Spastic paraplegia. Last evaluated: 2023-01-01. Review status: criteria provided, single submitter. Criteria: Invitae Variant Classification Sherloc (09022015). Collection method: clinical testing. Allele origin: germline.
Comment: For these reasons, this variant has been classified as Pathogenic. Isolated whole-gene deletions of FA2H have not been reported in the literature. However, larger copy number events that include this gene have been reported (PMID: 24299421). A gross deletion of the genomic region encompassing the full coding sequence of the FA2H gene has been identified. Loss-of-function variants in FA2H are known to be pathogenic (PMID: 20853438, 25496456, 25732363, 26344562). The boundaries of this event are unknown as they extend beyond the assayed region for this gene and therefore may encompass additional genes.

Literature cited by the submitters: PubMed 24299421; PubMed 20853438; PubMed 25496456; PubMed 25732363; PubMed 26344562.

NC_000016.9:g.(?_74748088)_(74808653_?)del

Gene: FA2H (fatty acid 2-hydroxylase; minus strand). Cytogenetic location: 16q23.1.
Variant type: Deletion.
Identifiers: ClinVar variation 1458952 (VCV001458952.5).